The following is an entry in ClinVar:

ClinVar aggregate classification (germline): Conflicting classifications of pathogenicity. Review status: criteria provided, conflicting classifications (1 of 4 stars). 4 submissions from 4 submitters: Likely pathogenic (2); Uncertain significance (2). Last evaluated 2025-06-04.

Conditions:
Hereditary nonpolyposis colorectal neoplasms. Identifiers: MedGen C0009405, MeSH D003123.
Hereditary cancer-predisposing syndrome. Also called: Hereditary Cancer Syndrome; Neoplastic Syndromes, Hereditary; Hereditary neoplastic syndrome; Tumor predisposition. Identifiers: Orphanet 140162, MedGen C0027672, MeSH D009386, MONDO:0015356.
Endometrial carcinoma. Also called: Endometrial carcinoma, somatic. Identifiers: MedGen C0476089, MONDO:0002447, OMIM 608089, HP:0012114.

Allele frequency attached by ClinVar (database versions not stated): gnomAD exomes below 0.00001.
gnomAD v4.1: 3 of 1,424,514 alleles (0.00021%); highest among the groups gnomAD compares: Non-Finnish European, 0.00028%; no homozygotes.

Submissions (4):

Labcorp Genetics (formerly Invitae), Labcorp
Classification: Uncertain significance for Hereditary nonpolyposis colorectal neoplasms. Last evaluated: 2025-06-04. Review status: criteria provided, single submitter. Criteria: Invitae Variant Classification Sherloc (09022015). Collection method: clinical testing. Allele origin: germline.
Comment: This sequence change replaces serine, which is neutral and polar, with threonine, which is neutral and polar, at codon 87 of the MSH6 protein (p.Ser87Thr). This variant also falls at the last nucleotide of exon 1, which is part of the consensus splice site for this exon. This variant is not present in population databases (gnomAD no frequency). This missense change has been observed in individual(s) with MSH6-related conditions (PMID: 34308104). ClinVar contains an entry for this variant (Variation ID: 428349). An algorithm developed to predict the effect of missense changes on protein structure and function (PolyPhen-2) suggests that this variant is likely to be tolerated. Variants that disrupt the consensus splice site are a relatively common cause of aberrant splicing (PMID: 17576681, 9536098). Algorithms developed to predict the effect of sequence changes on RNA splicing suggest that this variant may disrupt the consensus splice site. In summary, the available evidence is currently insufficient to determine the role of this variant in disease. Therefore, it has been classified as a Variant of Uncertain Significance.

Ambry Genetics
Classification: Likely pathogenic for Hereditary cancer-predisposing syndrome. Last evaluated: 2025-02-04. Review status: criteria provided, single submitter. Criteria: Ambry Variant Classification Scheme 2023. Collection method: clinical testing. Allele origin: germline.
Comment: The p.S87T variant (also known as c.260G>C), located in coding exon 1 of the MSH6 gene, results from a G to C substitution at nucleotide position 260. The serine at codon 87 is replaced by threonine, an amino acid with similar properties. However, this change occurs in the last base pair of coding exon 1, which makes it likely to have some effect on normal mRNA splicing. This variant has been identified in a proband(s) who met Amsterdam I/II criteria for Lynch syndrome and tumor demonstrated loss of MSH6 expression by immunohistochemistry (Ambry internal data). This variant is considered to be rare based on population cohorts in the Genome Aggregation Database (gnomAD). This nucleotide position is highly conserved in available vertebrate species. This amino acid position is well conserved in available vertebrate species. In silico splice site analysis predicts that this alteration will weaken the native splice donor site and will result in the creation or strengthening of a novel splice donor site; however, direct evidence is insufficient at this time (Ambry internal data). In addition, as a missense substitution this is predicted to be tolerated by in silico analysis. Based on the majority of available evidence to date, this variant is likely to be pathogenic.

GeneDx
Classification: Likely pathogenic. Last evaluated: 2023-12-19. Review status: criteria provided, single submitter. Criteria: GeneDx Variant Classification Process June 2021. Collection method: clinical testing. Allele origin: germline. Affected: yes.
Comment: Alters the last nucleotide of the exon and is predicted to destroy the splice donor site and result in aberrant splicing, although in the absence of functional evidence the actual effect of this sequence change is unknown; Not observed at significant frequency in large population cohorts (gnomAD); In silico analysis supports that this missense variant does not alter protein structure/function; Observed in a pediatric patient with non-Hodgkin lymphoma (PMID: 34308104); This variant is associated with the following publications: (PMID: 34308104)

Baylor Genetics
Classification: Uncertain significance for Endometrial carcinoma. Last evaluated: 2023-08-09. Review status: criteria provided, single submitter. Criteria: ACMG Guidelines, 2015. Collection method: clinical testing. Allele origin: unknown.

Literature cited by the submitters: PubMed 34308104 (cited by Labcorp Genetics (formerly Invitae), Labcorp); PubMed 17576681 (cited by Labcorp Genetics (formerly Invitae), Labcorp); PubMed 9536098 (cited by Labcorp Genetics (formerly Invitae), Labcorp).

NM_000179.3(MSH6):c.260G>C (p.Ser87Thr)

Genes: MSH6 (mutS homolog 6; plus strand), LOC129933707 (ATAC-STARR-seq lymphoblastoid silent region 11468; plus strand). Cytogenetic location: 2p16.3.
Variant type: single nucleotide variant.
Coding change: c.260G>C on transcript NM_000179.3 (MANE Select); coding-DNA position 260, G replaced by C.
Protein change: p.Ser87Thr; replaces serine 87 with threonine.
Molecular consequence: missense variant. On other transcripts: 5 prime UTR variant (1), intron variant (1).
Genome position (GRCh38, 1-based): chr2:47,783,493, G>C. VCF-style: chr2-47783493-G-C. GRCh37 (hg19) VCF-style: chr2-48010632-G-C.
Other names: c.-477G>C (NM_001281493.2); c.237+23G>C (NM_001281492.2); short protein forms S87T.
Identifiers: ClinVar variation 428349 (VCV000428349.17), dbSNP rs1114167734, ClinGen allele CA346735191.